The following is an entry in ClinVar:

ClinVar aggregate classification (germline): Uncertain significance (1 of 4 stars; one submission).

Conditions:
Amyotrophic lateral sclerosis type 21. Also called: MYOPATHY, DISTAL, 2; VOCAL CORD AND PHARYNGEAL DYSFUNCTION WITH DISTAL MYOPATHY. Identifiers: Orphanet 600, Orphanet 803, MedGen C3807521, MONDO:0011632, OMIM 606070.

gnomAD v4.1: 1 of 1,614,104 alleles (0.000062%); no homozygotes.

Submission:

Labcorp Genetics (formerly Invitae), Labcorp
Classification: Uncertain significance for Amyotrophic lateral sclerosis type 21. Last evaluated: 2023-06-20. Review status: criteria provided, single submitter. Criteria: Invitae Variant Classification Sherloc (09022015). Collection method: clinical testing. Allele origin: germline.
Comment: In summary, the available evidence is currently insufficient to determine the role of this variant in disease. Therefore, it has been classified as a Variant of Uncertain Significance. Advanced modeling of protein sequence and biophysical properties (such as structural, functional, and spatial information, amino acid conservation, physicochemical variation, residue mobility, and thermodynamic stability) performed at Invitae indicates that this missense variant is not expected to disrupt MATR3 protein function. This variant has not been reported in the literature in individuals affected with MATR3-related conditions. This variant is not present in population databases (gnomAD no frequency). This sequence change replaces alanine, which is neutral and non-polar, with serine, which is neutral and polar, at codon 449 of the MATR3 protein (p.Ala449Ser).

NM_018834.6(MATR3):c.1345G>T (p.Ala449Ser)

Gene: MATR3 (matrin 3; plus strand). Cytogenetic location: 5q31.2.
Variant type: single nucleotide variant.
Coding change: c.1345G>T on transcript NM_018834.6 (MANE Select); coding-DNA position 1345, G replaced by T.
Protein change: p.Ala449Ser; replaces alanine 449 with serine.
Molecular consequence: missense variant.
Genome position (GRCh38, 1-based): chr5:139,318,944, G>T. VCF-style: chr5-139318944-G-T. GRCh37 (hg19) VCF-style: chr5-138654633-G-T.
Other names: c.1345G>T, p.Ala449Ser (NM_001194954.2, NM_001194955.2, NM_001400441.1 and 16 more transcripts); c.481G>T, p.Ala161Ser (NM_001194956.2); c.331G>T, p.Ala111Ser (NM_001282278.2, NM_001400460.1, NM_001400462.1 and 5 more transcripts); c.484G>T, p.Ala162Ser (NM_001400459.1); c.445G>T, p.Ala149Ser (NM_001400461.1); short protein forms A111S, A149S, A449S, A161S, A162S.
Identifiers: ClinVar variation 2738678 (VCV002738678.3), dbSNP rs2546832267, ClinGen allele CA361140805.